The following is an entry in ClinVar:

ClinVar aggregate classification (germline): Pathogenic/Likely pathogenic. Review status: criteria provided, multiple submitters, no conflicts (2 of 4 stars). 5 submissions from 5 submitters: Pathogenic (1); Likely pathogenic (4). Last evaluated 2026-02-11.

Conditions:
Encephalopathy due to GLUT1 deficiency. Also called: GLUCOSE TRANSPORT DEFECT, BLOOD-BRAIN BARRIER; Glucose transporter protein syndrome; De Vivo disease; GLUT1 deficiency syndrome 1; GLUT1 deficiency syndrome 1, infantile onset, severe; Classic Glucose Transporter Type 1 Deficiency Syndrome. Identifiers: Orphanet 71277, MedGen C4551966, MONDO:0011724, OMIM 606777.
GLUT1 deficiency syndrome 1, autosomal recessive. Identifiers: MedGen C3149117.

Allele frequency attached by ClinVar (database versions not stated): gnomAD exomes below 0.00001 and 0.00001; ExAC 0.00002.
gnomAD v4.1: 2 of 1,600,930 alleles (0.00012%); no homozygotes.

Submissions (5):

Clinical Genomics Laboratory, Washington University in St. Louis
Classification: Likely pathogenic for Encephalopathy due to GLUT1 deficiency. Last evaluated: 2026-02-11. Review status: criteria provided, single submitter. Criteria: ACMG Guidelines, 2015. Collection method: clinical testing. Allele origin: germline. Affected: yes.
Comment: The SLC2A1 c.286A>G (p.Met96Val) variant has been reported in at least two individuals affected with paroxysmal exercise-induced dyskinesia and paroxysmal kinesigenic dyskinesia, also reported to have non-motor paroxysmal features, and is reported to segregate with disease in three individuals from one family (Gardiner AR et al., PMID: 26598494; Kegele J et al., PMID: 34305802; Leen WG et al., PMID: 20129935). This variant has been reported in the ClinVar database as a germline pathogenic variant by two submitters and as a likely pathogenic variant by three submitters. This variant is only observed in 3/240,850 alleles in the general population (gnomAD v.2.1.1), indicating it is not a common variant. Computational predictors indicate that the variant is damaging, evidence that correlates with impact to SLC2A1 function. Functional studies using the Xenopus oocyte glucose uptake assay demonstrate that this variant shows reduced glucose transport activity compared with controls, indicating that it impacts GLUT1 function (Zaman SM et al., PMID: 30588498). Based on the available information and the ACMG/AMP guidelines for variant interpretation (Richards S et al., PMID: 25741868), this variant is classified as likely pathogenic.

Labcorp Genetics (formerly Invitae), Labcorp
Classification: Pathogenic for GLUT1 deficiency syndrome 1, autosomal recessive. Last evaluated: 2026-01-28. Review status: criteria provided, single submitter. Criteria: Invitae Variant Classification Sherloc (09022015). Collection method: clinical testing. Allele origin: germline.
Comment: This sequence change replaces methionine, which is neutral and non-polar, with valine, which is neutral and non-polar, at codon 96 of the SLC2A1 protein (p.Met96Val). This variant is present in population databases (rs753161833, gnomAD 0.02%). This missense change has been observed in individual(s) with GLUT1-deficiency syndrome (PMID: 20129935, 26598494, 30588498). ClinVar contains an entry for this variant (Variation ID: 538680). Invitae Evidence Modeling of protein sequence and biophysical properties (such as structural, functional, and spatial information, amino acid conservation, physicochemical variation, residue mobility, and thermodynamic stability) indicates that this missense variant is expected to disrupt SLC2A1 protein function with a positive predictive value of 95%. Experimental studies have shown that this missense change affects SLC2A1 function (PMID: 30588498). For these reasons, this variant has been classified as Pathogenic.

GeneDx
Classification: Likely pathogenic. Last evaluated: 2024-03-26. Review status: criteria provided, single submitter. Criteria: GeneDx Variant Classification Process June 2021. Collection method: clinical testing. Allele origin: germline. Affected: yes.
Comment: Published functional studies demonstrate a damaging effect as M96V impairs glucose transport in vitro (PMID: 30588498); In silico analysis supports that this missense variant has a deleterious effect on protein structure/function; This variant is associated with the following publications: (PMID: 24847886, 34305802, 20129935, 26598494, 26986070, 30588498)

Genome-Nilou Lab
Classification: Likely pathogenic for Encephalopathy due to GLUT1 deficiency. Last evaluated: 2023-04-11. Review status: criteria provided, single submitter. Criteria: ACMG Guidelines, 2015. Collection method: clinical testing. Allele origin: germline. Affected: no.

CeGaT Center for Human Genetics Tuebingen
Classification: Likely pathogenic. Last evaluated: 2021-05-01. Review status: criteria provided, single submitter. Criteria: CeGaT Center For Human Genetics Tuebingen Variant Classification Criteria Version 2. Collection method: clinical testing. Allele origin: germline. Affected: yes. Observed: 1 variant allele.

Literature cited by the submitters: PubMed 20129935 (cited by Labcorp Genetics (formerly Invitae), Labcorp); PubMed 26598494 (cited by Labcorp Genetics (formerly Invitae), Labcorp); PubMed 30588498 (cited by Labcorp Genetics (formerly Invitae), Labcorp).

NM_006516.4(SLC2A1):c.286A>G (p.Met96Val)

Gene: SLC2A1 (solute carrier family 2 member 1; minus strand). Cytogenetic location: 1p34.2.
Variant type: single nucleotide variant.
Coding change: c.286A>G on transcript NM_006516.4 (MANE Select); coding-DNA position 286, A replaced by G.
Protein change: p.Met96Val; replaces methionine 96 with valine.
Molecular consequence: missense variant.
Genome position (GRCh38, 1-based): chr1:42,930,856, T>C on the plus strand (A>G on the coding strand, the complement: SLC2A1 is on the minus strand). VCF-style: chr1-42930856-T-C. GRCh37 (hg19) VCF-style: chr1-43396527-T-C.
Other names: short protein forms M96V.
Identifiers: ClinVar variation 538680 (VCV000538680.44), dbSNP rs753161833, ClinGen allele CA803565.